The following is an entry in ClinVar:

NM_024675.4(PALB2):c.1610C>T (p.Ser537Leu)

Gene: PALB2 (partner and localizer of BRCA2; minus strand). Cytogenetic location: 16p12.2.
Variant type: single nucleotide variant.
Coding change: c.1610C>T on transcript NM_024675.4 (MANE Select); coding-DNA position 1610, C replaced by T.
Protein change: p.Ser537Leu; replaces serine 537 with leucine.
Molecular consequence: missense variant.
Genome position (GRCh38, 1-based): chr16:23,634,936, G>A on the plus strand (C>T on the coding strand, the complement: PALB2 is on the minus strand). VCF-style: chr16-23634936-G-A. GRCh37 (hg19) VCF-style: chr16-23646257-G-A.
Other names: p.S537L:TCG>TTG; short protein forms S537L.
Identifiers: ClinVar variation 182791 (VCV000182791.40), dbSNP rs142103232, ClinGen allele CA299796.
Genomic context (GRCh38, chr16:23,634,936, plus strand): 5'-AATAATTTTTCGTGCTGATATTTGTGTGAGGTGACTTCTTCCTTGGACCTGTTAACAATC[G>A]ACAGGCTAGAAGTTGGCAAAAGTGGTTCACAATGATCTGATGCTGGGGTGCAGGCTGATT-3'
Protein context (NP_078951.2, residues 527-547): CEPLLPTSSL[Ser537Leu]IVNRSKEEVT

ClinVar aggregate classification (germline): Conflicting classifications of pathogenicity. Review status: criteria provided, conflicting classifications (1 of 4 stars). 15 submissions from 15 submitters: Uncertain significance (9); Likely benign (3). 3 of the submissions do not count toward it. Last evaluated 2026-02-11.

Conditions:
PALB2-related disorder. Also called: PALB2-related condition; PALB2-related disorders.
Hereditary cancer-predisposing syndrome. Also called: Tumor predisposition; Hereditary neoplastic syndrome; Neoplastic Syndromes, Hereditary; Hereditary Cancer Syndrome. Identifiers: Orphanet 140162, MedGen C0027672, MeSH D009386, MONDO:0015356.
Carcinoma of colon (CRC). Also called: Colonic carcinoma; Colon carcinoma. Identifiers: MedGen C0699790, MONDO:0002032.
Familial cancer of breast. Also called: Hereditary breast cancer; BREAST CANCER, FAMILIAL; hereditary breast carcinoma. Identifiers: Orphanet 227535, MedGen C0346153, MONDO:0016419, OMIM 114480. Disease mechanism: loss of function.
Fanconi anemia complementation group N. Also called: PALB2-Related Fanconi Anemia. Identifiers: Orphanet 84, MedGen C1835817, MONDO:0012565, OMIM 610832. Disease mechanism: loss of function.

Allele frequency attached by ClinVar (database versions not stated): gnomAD 0.00001; gnomAD exomes 0.00004 and 0.00005; TOPMed 0.00004; ExAC 0.00007; ESP Exome Variant Server 0.00015.
gnomAD v4.1: 58 of 1,613,958 alleles (0.0036%); highest among the groups gnomAD compares: Non-Finnish European, 0.0047%; no homozygotes.

Submissions (15):

St. Jude Molecular Pathology, St. Jude Children's Research Hospital
Classification: Uncertain significance for Familial cancer of breast. Last evaluated: 2026-02-11. Review status: criteria provided, single submitter. Criteria: St. Jude Assertion Criteria 2020. Collection method: clinical testing. Allele origin: germline.
Comment: The PALB2 c.1610C>T p.(Ser537Leu) missense change has a maximum subpopulation frequency of 0.01% in gnomAD v2.1.1. The in silico tool REVEL predicts a benign effect on protein function, but to our knowledge this prediction has not been confirmed by functional studies. To our knowledge, this variant has not been reported as pathogenic in individuals with PALB2-associated conditions. In summary, the evidence currently available is insufficient to determine the clinical significance of this variant. It has therefore been classified as of uncertain significance.

Labcorp Genetics (formerly Invitae), Labcorp
Classification: Uncertain significance for Familial cancer of breast. Last evaluated: 2025-12-01. Review status: criteria provided, single submitter. Criteria: Invitae Variant Classification Sherloc (09022015). Collection method: clinical testing. Allele origin: germline.
Comment: This sequence change replaces serine, which is neutral and polar, with leucine, which is neutral and non-polar, at codon 537 of the PALB2 protein (p.Ser537Leu). This variant is present in population databases (rs142103232, gnomAD 0.01%). This missense change has been observed in individual(s) with squamous cell carcinoma and breast cancer (PMID: 26283626, 35038823, 38153744). ClinVar contains an entry for this variant (Variation ID: 182791). Invitae Evidence Modeling of protein sequence and biophysical properties (such as structural, functional, and spatial information, amino acid conservation, physicochemical variation, residue mobility, and thermodynamic stability) indicates that this missense variant is not expected to disrupt PALB2 protein function with a negative predictive value of 80%. In summary, the available evidence is currently insufficient to determine the role of this variant in disease. Therefore, it has been classified as a Variant of Uncertain Significance.

Ambry Genetics
Classification: Likely benign for Hereditary cancer-predisposing syndrome. Last evaluated: 2025-07-21. Review status: criteria provided, single submitter. Criteria: Ambry Variant Classification Scheme 2023. Collection method: clinical testing. Allele origin: germline.

Myriad Genetics, Inc.
Classification: Likely benign for Familial cancer of breast. Last evaluated: 2025-01-14. Review status: criteria provided, single submitter. Criteria: Myriad Autosomal Dominant, Autosomal Recessive and X-Linked Classification Criteria (2023). Collection method: clinical testing. Allele origin: unknown.
Comment: This variant is considered likely benign. This variant is strongly associated with less severe personal and family histories of cancer, typical for individuals without pathogenic variants in this gene [PMID: 25085752].

Quest Diagnostics Nichols Institute San Juan Capistrano
Classification: Uncertain significance. Last evaluated: 2024-08-14. Review status: criteria provided, single submitter. Criteria: Quest Diagnostics criteria. Collection method: clinical testing. Allele origin: unknown.
Comment: The PALB2 c.1610C>T (p.Ser537Leu) variant has been reported in the published literature in individuals with breast cancer (PMID: 38153744 (2023), 33471991 (2021), 26283626 (2015), see also LOVD) and cervical cancer (PMID: 35038823 (2022)). This variant has also been identified in a reportedly healthy individual (PMID: 26315354 (2015)). The frequency of this variant in the general population, 0.00011 (14/129178 chromosomes (Genome Aggregation Database)), is uninformative in the assessment of its pathogenicity. Analysis of this variant using bioinformatics tools for the prediction of the effect of amino acid changes on protein structure and function yielded predictions that this variant is benign. Based on the available information, we are unable to determine the clinical significance of this variant.

GeneDx
Classification: Uncertain significance. Last evaluated: 2024-04-01. Review status: criteria provided, single submitter. Criteria: GeneDx Variant Classification Process June 2021. Collection method: clinical testing. Allele origin: germline. Affected: yes.
Comment: Observed in individuals with breast, ovarian, or cervical cancer (PMID: 24136930, 26283626, 33471991); In silico analysis supports that this missense variant does not alter protein structure/function; This variant is associated with the following publications: (PMID: 26283626, 26315354, 24136930, 31600176, 33471991, Wei2020[article], 35038823, 35585550)

PreventionGenetics, part of Exact Sciences
Classification: Uncertain significance for PALB2-related condition. Last evaluated: 2023-03-28. Review status: criteria provided, single submitter. Criteria: ACMG Guidelines, 2015. Collection method: clinical testing. Allele origin: germline.
Comment: The PALB2 c.1610C>T variant is predicted to result in the amino acid substitution p.Ser537Leu. This variant has been reported in and individual with breast cancer (Table 3, Thompson et al. 2015. PubMed ID: 26283626). It has also been reported in a control individual from an ovarian cancer cohort study (Table S4, Ramus et al. 2015. PubMed ID: 26315354). This variant is reported in 0.011% of alleles in individuals of European (Non-Finnish) descent in gnomAD and is interpreted as uncertain significance by the vast majority of submitters in ClinVar. At this time, the clinical significance of this variant is uncertain due to the absence of conclusive functional and genetic evidence.

Institute for Clinical Genetics, University Hospital TU Dresden, University Hospital TU Dresden
Classification: Uncertain significance. Last evaluated: 2021-11-03. Review status: criteria provided, single submitter. Criteria: ACMG Guidelines, 2015. Collection method: clinical testing. Allele origin: germline.

Genetics and Molecular Pathology, SA Pathology
Classification: Uncertain significance for Familial cancer of breast. Last evaluated: 2020-12-04. Review status: criteria provided, single submitter. Criteria: ACMG Guidelines, 2015. Collection method: clinical testing. Allele origin: germline. Affected: yes.

Illumina Laboratory Services, Illumina
Classification: Uncertain significance for Fanconi anemia complementation group N. Last evaluated: 2017-04-28. Review status: criteria provided, single submitter. Criteria: ICSL Variant Classification Criteria 13 December 2019. Collection method: clinical testing. Allele origin: germline.

Color Diagnostics, LLC DBA Color Health
Classification: Likely benign for Hereditary cancer-predisposing syndrome. Last evaluated: 2016-11-03. Review status: criteria provided, single submitter. Criteria: ACMG Guidelines, 2015. Collection method: clinical testing. Allele origin: germline.

Cancer Genetics Laboratory, Peter MacCallum Cancer Centre
Classification: Uncertain significance for Familial cancer of breast. Last evaluated: 2015-06-01. Review status: criteria provided, single submitter. Criteria: Thompson et al. (Breast Cancer Res. 2015). Collection method: case-control. Allele origin: germline. Affected: yes. Observed: 1 variant allele, 1 heterozygote.

Leiden Open Variation Database
Classification: Uncertain significance for Colorectal cancer. Last evaluated: 2017-01-31. Review status: no assertion criteria provided. Collection method: curation. Allele origin: germline. Affected: yes. Not counted in ClinVar's aggregate classification.
Comment: Curators: Marc Tischkowitz, Arleen D. Auerbach. Submitter to LOVD: Melissa DeRycke.

Genome Diagnostics Laboratory, University Medical Center Utrecht
Classification: Likely benign. Review status: no assertion criteria provided. Collection method: clinical testing. Allele origin: germline. Affected: yes. Study: VKGL Data-share Consensus. Not counted in ClinVar's aggregate classification.

Joint Genome Diagnostic Labs from Nijmegen and Maastricht, Radboudumc and MUMC+
Classification: Likely benign. Review status: no assertion criteria provided. Collection method: clinical testing. Allele origin: germline. Affected: yes. Study: VKGL Data-share Consensus. Not counted in ClinVar's aggregate classification.

Literature cited by the submitters: PubMed 26283626 (cited by 3 submitters); PubMed 35038823 (cited by Labcorp Genetics (formerly Invitae), Labcorp and Quest Diagnostics Nichols Institute San Juan Capistrano); PubMed 38153744 (cited by Labcorp Genetics (formerly Invitae), Labcorp and Quest Diagnostics Nichols Institute San Juan Capistrano); PubMed 26315354 (cited by Ambry Genetics and Quest Diagnostics Nichols Institute San Juan Capistrano); PubMed 25085752 (cited by Myriad Genetics, Inc.); PubMed 33471991 (cited by Quest Diagnostics Nichols Institute San Juan Capistrano).